The following is an entry in ClinVar:

NM_001267550.2(TTN):c.27607G>A (p.Glu9203Lys)

Gene: TTN (titin; minus strand). Cytogenetic location: 2q31.2.
Variant type: single nucleotide variant.
Coding change: c.27607G>A on transcript NM_001267550.2 (MANE Select); coding-DNA position 27607, G replaced by A.
Protein change: p.Glu9203Lys; replaces glutamic acid 9203 with lysine.
Molecular consequence: missense variant. On other transcripts: intron variant (3).
Genome position (GRCh38, 1-based): chr2:178,712,315, C>T on the plus strand (G>A on the coding strand, the complement: TTN is on the minus strand). VCF-style: chr2-178712315-C-T. GRCh37 (hg19) VCF-style: chr2-179577042-C-T.
Other names: c.26656G>A, p.Glu8886Lys (NM_001256850.1); c.23875G>A, p.Glu7959Lys (NM_133378.4); c.13282+25767G>A (NM_003319.4); c.13858+25767G>A (NM_133437.4); c.13657+25767G>A (NM_133432.3); c.27607G>A (LRG_391t1); short protein forms E9203K, E7959K, E8886K.
Identifiers: ClinVar variation 223269 (VCV000223269.19), dbSNP rs769097909, ClinGen allele CA351351.
Genomic context (GRCh38, chr2:178,712,315, plus strand): 5'-AAGGAGACATGCCAGATCATCGATTGTATACAAAGATAAAAATGTGCAATCATGACAAAC[C>T]TAGTATGAGTATTTGTGCTGAACAGGAATCTTTTCCAGAGGCATTTTCAATGTAGCAGTT-3'
Protein context (NP_001254479.2, residues 9193-9213): DSCSAQILIL[Glu9203Lys]PPYFVKQLEP

ClinVar aggregate classification (germline): Uncertain significance. Review status: criteria provided, multiple submitters, no conflicts (2 of 4 stars). 7 submissions from 6 submitters: Uncertain significance (6). 1 of the submissions does not count toward it. Last evaluated 2026-05-15.

Conditions:
TTN-related disorder. Also called: TTN-related condition; TTN-related disease; TTN-related disorders.
Autosomal recessive limb-girdle muscular dystrophy type 2J (LGMDR10). Also called: Limb-girdle muscular dystrophy, type 2J; MUSCULAR DYSTROPHY, LIMB-GIRDLE, AUTOSOMAL RECESSIVE 10. Identifiers: Orphanet 140922, MedGen C1837342, MONDO:0012127, OMIM 608807.
Dilated cardiomyopathy 1G (CMD1G). Identifiers: Orphanet 154, MedGen C1858763, MONDO:0011400, OMIM 604145.
Primary dilated cardiomyopathy (DCM). Also called: Dilated Cardiomyopathy. Identifiers: Orphanet 217604, MedGen C0007193, MeSH D002311, MONDO:0005021, HP:0001644. Inheritance: Various modes of inheritance.

Allele frequency attached by ClinVar (database versions not stated): ExAC 0.00001; gnomAD exomes 0.00001; TOPMed 0.00001.
gnomAD v4.1: 16 of 1,612,206 alleles (0.00099%); highest among the groups gnomAD compares: African/African-American, 0.008%; no homozygotes.

Submissions (7):

PreventionGenetics, part of Exact Sciences
Classification: Uncertain significance for TTN-related condition. Last evaluated: 2026-05-15. Review status: criteria provided, single submitter. Criteria: ACMG Guidelines, 2015. Collection method: clinical testing. Allele origin: germline.
Comment: The TTN c.27607G>A variant is predicted to result in the amino acid substitution p.Glu9203Lys. This variant affects the last nucleotide of exon 95 and is therefore within the splice donor motif (Walker et al. 2023. PubMed ID: 37352859) and is predicted to disrupt canonical splicing at this site (SpliceAI, Jaganathan et al. 2019. PubMed ID: 30661751). This variant has been reported in a cohort of individuals with prospective dilated cardiomyopathy (Table S1, Roberts et al. 2015. PubMed ID: 25589632). This variant is reported in 0.0065% of alleles in individuals of African descent in gnomAD. At this time, the clinical significance of this variant is uncertain due to the absence of conclusive functional and genetic evidence.

Labcorp Genetics (formerly Invitae), Labcorp
Classification: Uncertain significance for Dilated cardiomyopathy 1G; Autosomal recessive limb-girdle muscular dystrophy type 2J. Last evaluated: 2025-08-31. Review status: criteria provided, single submitter. Criteria: Invitae Variant Classification Sherloc (09022015). Collection method: clinical testing. Allele origin: germline.
Comment: This sequence change replaces glutamic acid, which is acidic and polar, with lysine, which is basic and polar, at codon 9203 of the TTN protein (p.Glu9203Lys). This variant also falls at the last nucleotide of exon 95, which is part of the consensus splice site for this exon. This variant is present in population databases (rs769097909, gnomAD 0.008%). This missense change has been observed in individual(s) with dilated cardiomyopathy (PMID: 25589632). ClinVar contains an entry for this variant (Variation ID: 223269). Experimental studies and prediction algorithms are not available or were not evaluated, and the functional significance of this variant is currently unknown. Variants that disrupt the consensus splice site are a relatively common cause of aberrant splicing (PMID: 17576681, 9536098). Algorithms developed to predict the effect of sequence changes on RNA splicing suggest that this variant may disrupt the consensus splice site. This variant is located in the I band of TTN (PMID: 25589632). Non-truncating variants in this region may be clinically relevant, but have not been definitively shown to cause cardiomyopathy or neuromuscular disease (PMID: 27493940, 32778822). In summary, the available evidence is currently insufficient to determine the role of this variant in disease. Therefore, it has been classified as a Variant of Uncertain Significance.

CeGaT Center for Human Genetics Tuebingen
Classification: Uncertain significance. Last evaluated: 2025-04-01. Review status: criteria provided, single submitter. Criteria: CeGaT Center For Human Genetics Tuebingen Variant Classification Criteria Version 2. Collection method: clinical testing. Allele origin: germline. Affected: yes. Observed: 1 variant allele.

Blueprint Genetics
Classification: Uncertain significance. Last evaluated: 2024-06-20. Review status: criteria provided, single submitter. Criteria: ACMG Guidelines, 2015. Collection method: clinical testing. Allele origin: germline.

Institute of Human Genetics, Clinical Exome/Genome Diagnostics Group, University Hospital Bonn
Classification: Uncertain significance. Last evaluated: 2022-07-12. Review status: criteria provided, single submitter. Criteria: ACMG Guidelines, 2015. Collection method: clinical testing. Allele origin: germline. Affected: yes.

Cardiovascular Biomedical Research Unit, Royal Brompton & Harefield NHS Foundation Trust
Classification: Uncertain significance for Primary dilated cardiomyopathy. Last evaluated: 2014-10-08. Review status: criteria provided, single submitter. Criteria: Roberts et al. 2015. Collection method: research. Allele origin: germline. Inheritance: Autosomal dominant inheritance. Affected: no. Observed: 1 variant allele. Study: JHS cohort.
Comment: In the seven cohorts assessed, TTNtv were found in 14% of ambulant DCM, 22% end-stage or familial DCM, and 2% controls. Heterozygous nonsense, frameshift and canonical splice-disrupting variants found in constitutive and other highly utilised exons are highly likely to be pathogenic when identified in individuals with phenotypically confirmed DCM. TTNtv found incidentally in healthy individuals (excluding familial assessment of DCM relatives) are thought to have low penetrance, particularly when identified in exons that are not constitutively expressed in the heart.

Cardiovascular Biomedical Research Unit, Royal Brompton & Harefield NHS Foundation Trust
Classification: Uncertain significance for Primary dilated cardiomyopathy. Last evaluated: 2014-10-08. Review status: flagged submission. Criteria: Roberts et al. 2015. Collection method: research. Allele origin: germline. Inheritance: Autosomal dominant inheritance. Affected: yes. Observed: 1 variant allele. Study: Unselected DCM. Not counted in ClinVar's aggregate classification.
Comment: the same text as in the submission from Cardiovascular Biomedical Research Unit, Royal Brompton & Harefield NHS Foundation Trust above.
ClinVar note: Reason: This record appears to be redundant with a more recent record from the same submitter.
ClinVar note: Notes: SCV000189634 appears to be redundant with SCV000189752.

Literature cited by the submitters: PubMed 25589632 (cited by Labcorp Genetics (formerly Invitae), Labcorp); PubMed 17576681 (cited by Labcorp Genetics (formerly Invitae), Labcorp); PubMed 9536098 (cited by Labcorp Genetics (formerly Invitae), Labcorp); PubMed 27493940 (cited by Labcorp Genetics (formerly Invitae), Labcorp); PubMed 32778822 (cited by Labcorp Genetics (formerly Invitae), Labcorp).